The following is an entry in ClinVar:

NM_001851.6(COL9A1):c.1819-7A>G

Gene: COL9A1 (collagen type IX alpha 1 chain; minus strand). Cytogenetic location: 6q13.
Variant type: single nucleotide variant.
Coding change: c.1819-7A>G on transcript NM_001851.6 (MANE Select); 7 bases into the intron before coding-DNA position 1819, A replaced by G.
Molecular consequence: intron variant.
Genome position (GRCh38, 1-based): chr6:70,252,180, T>C on the plus strand (A>G on the coding strand, the complement: COL9A1 is on the minus strand). VCF-style: chr6-70252180-T-C. GRCh37 (hg19) VCF-style: chr6-70961883-T-C.
Other names: c.1090-7A>G (NM_001377290.1, NM_078485.4); c.1120-7A>G (NM_001377289.1).
Identifiers: ClinVar variation 4998822 (VCV004998822.1).

ClinVar aggregate classification (germline): Likely benign (1 of 4 stars; one submission).

Conditions:
COL9A1-related disorder. Also called: COL9A1-related condition; COL9A1-related disorders.

Submission:

PreventionGenetics, part of Exact Sciences
Classification: Likely benign for COL9A1-related condition. Last evaluated: 2024-12-12. Review status: criteria provided, single submitter. Criteria: ACMG Guidelines, 2015. Collection method: clinical testing. Allele origin: germline.
Comment: This variant is classified as likely benign based on ACMG/AMP sequence variant interpretation guidelines (Richards et al. 2015 PMID: 25741868, with internal and published modifications).